The following is an entry in ClinVar:

NM_194255.4(SLC19A1):c.1502C>T (p.Pro501Leu)

Gene: SLC19A1 (solute carrier family 19 member 1; minus strand). Cytogenetic location: 21q22.3.
Variant type: single nucleotide variant.
Coding change: c.1502C>T on transcript NM_194255.4 (MANE Select); coding-DNA position 1502, C replaced by T.
Protein change: p.Pro501Leu; replaces proline 501 with leucine.
Molecular consequence: missense variant. On other transcripts: intron variant (2).
Genome position (GRCh38, 1-based): chr21:45,515,932, G>A on the plus strand (C>T on the coding strand, the complement: SLC19A1 is on the minus strand). VCF-style: chr21-45515932-G-A. GRCh37 (hg19) VCF-style: chr21-46935846-G-A.
Other names: c.1382C>T, p.Pro461Leu (NM_001205207.3); c.1148C>T, p.Pro383Leu (NM_001352510.2); c.1502C>T, p.Pro501Leu (NM_001352512.2); c.1294-780C>T (NM_001352511.3, NM_001205206.4); short protein forms P383L, P461L, P501L.
Identifiers: ClinVar variation 2720065 (VCV002720065.1), dbSNP rs780587368, ClinGen allele CA10068273.

ClinVar aggregate classification (germline): Uncertain significance (1 of 4 stars; one submission).

Submission:

Labcorp Genetics (formerly Invitae), Labcorp
Classification: Uncertain significance. Last evaluated: 2023-08-04. Review status: criteria provided, single submitter. Criteria: Invitae Variant Classification Sherloc (09022015). Collection method: clinical testing. Allele origin: germline.
Comment: This sequence change replaces proline, which is neutral and non-polar, with leucine, which is neutral and non-polar, at codon 501 of the SLC19A1 protein (p.Pro501Leu). In summary, the available evidence is currently insufficient to determine the role of this variant in disease. Therefore, it has been classified as a Variant of Uncertain Significance. Algorithms developed to predict the effect of missense changes on protein structure and function output the following: SIFT: "Not Available"; PolyPhen-2: "Benign"; Align-GVGD: "Not Available". The leucine amino acid residue is found in multiple mammalian species, which suggests that this missense change does not adversely affect protein function. This variant has not been reported in the literature in individuals affected with SLC19A1-related conditions. This variant is present in population databases (rs780587368, gnomAD 0.01%).